The following is an entry in ClinVar:

NM_001918.5(DBT):c.917_923del (p.Ser306fs)

Gene: DBT (dihydrolipoamide branched chain transacylase E2; minus strand). Cytogenetic location: 1p21.2.
Variant type: Deletion.
Coding change: c.917_923del on transcript NM_001918.5 (MANE Select); coding-DNA positions 917 to 923, 7 bases deleted (CCTTTAT; older notation c.917_923delCCTTTAT).
Protein change: p.Ser306fs; shifts the reading frame from serine 306.
Molecular consequence: frameshift variant. On other transcripts: non-coding transcript variant (4).
Genome position (GRCh38, 1-based): chr1:100,214,833-100,214,839, ATAAAGG deleted on the plus strand (CCTTTAT on the coding strand, the reverse complement: DBT is on the minus strand); deleting any 7 consecutive bases within chr1:100,214,833-100,214,840 gives the same sequence; the c. name uses the placement nearest the transcript's 3' end. VCF-style (leftmost placement, unchanged base first): chr1-100214832-CATAAAGG-C. GRCh37 (hg19) VCF-style: chr1-100680388-CATAAAGG-C.
Other names: c.374_380del, p.Ser125fs (NM_001399969.1, NM_001399972.1); short protein forms S125fs, S306fs.
Identifiers: ClinVar variation 5015198 (VCV005015198.1).

ClinVar aggregate classification (germline): Pathogenic (1 of 4 stars; one submission).

Conditions:
Maple syrup urine disease type 2 (MSUD2). Also called: Maple syrup urine disease, type II. Identifiers: MedGen C1855371, MONDO:0023693, OMIM 620699.

Submission:

Myriad Genetics, Inc.
Classification: Pathogenic for Maple syrup urine disease type 2. Last evaluated: 2025-11-10. Review status: criteria provided, single submitter. Criteria: Myriad Autosomal Dominant, Autosomal Recessive and X-Linked Classification Criteria (2023). Collection method: clinical testing. Allele origin: unknown.
Comment: NM_001918.3(DBT):c.917_923del7(S306Cfs*5) is expected to be pathogenic in the context of maple syrup urine disease type II. This variant is predicted to lead to an abnormal or absent protein product due to the creation of a premature termination codon in DBT, a gene where loss-of-function variants are known to be pathogenic. Please note: this variant was assessed in the context of healthy population screening.